The following is an entry in ClinVar:

ClinVar aggregate classification (germline): Uncertain significance. Review status: criteria provided, multiple submitters, no conflicts (2 of 4 stars). 2 submissions from 2 submitters: Uncertain significance (2). Last evaluated 2024-12-10.

Conditions:
Congenital hyperammonemia, type I. Also called: CPS I DEFICIENCY; Carbamoyl phosphate synthetase 1 deficiency; Hyperammonemia due to carbamoyl phosphate synthetase 1 deficiency; CPS 1 deficiency; Carbamyl phosphate synthetase (CPS) deficiency; Carbamoyl phosphate synthetase I deficiency disease. Identifiers: Orphanet 147, MedGen C4082171, MONDO:0009376, OMIM 237300.

Allele frequency attached by ClinVar (database versions not stated): TOPMed below 0.00001; gnomAD 0.00001.
gnomAD v4.1: 1 of 1,612,440 alleles (0.000062%); highest among the groups gnomAD compares: Non-Finnish European, 0.000085%; no homozygotes.

Submissions (2):

Women's Health and Genetics/Laboratory Corporation of America, LabCorp
Classification: Uncertain significance. Last evaluated: 2024-12-10. Review status: criteria provided, single submitter. Criteria: LabCorp Variant Classification Summary - May 2015. Collection method: clinical testing. Allele origin: germline.
Comment: Variant summary: CPS1 c.2022T>A (p.Asn674Lys) results in a non-conservative amino acid change located in the Carbamoyl-phosphate synthase L chain, ATP binding domain (IPR005479) of the encoded protein sequence. Five of five in-silico tools predict a damaging effect of the variant on protein function. The variant was absent in 250692 control chromosomes. The available data on variant occurrences in the general population are insufficient to allow any conclusion about variant significance. c.2022T>A has been reported in the literature in individuals affected with Carbamoylphosphate Synthetase I Deficiency (Haberle_2011). These report(s) do not provide unequivocal conclusions about association of the variant with Carbamoylphosphate Synthetase I Deficiency. To our knowledge, no experimental evidence demonstrating an impact on protein function has been reported. The following publication have been ascertained in the context of this evaluation (PMID: 21120950). ClinVar contains an entry for this variant (Variation ID: 2440528). Based on the evidence outlined above, the variant was classified as uncertain significance.

Revvity Omics, Revvity
Classification: Uncertain significance for Congenital hyperammonemia, type I. Last evaluated: 2022-08-30. Review status: criteria provided, single submitter. Criteria: ACMG Guidelines, 2015. Collection method: clinical testing. Allele origin: germline.

Literature cited by the submitters: PubMed 21120950 (cited by Women's Health and Genetics/Laboratory Corporation of America, LabCorp).

NM_001875.5(CPS1):c.2022T>A (p.Asn674Lys)

Gene: CPS1 (carbamoyl-phosphate synthase 1; plus strand). Cytogenetic location: 2q34.
Variant type: single nucleotide variant.
Coding change: c.2022T>A on transcript NM_001875.5 (MANE Select); coding-DNA position 2022, T replaced by A.
Protein change: p.Asn674Lys; replaces asparagine 674 with lysine.
Molecular consequence: missense variant. On other transcripts: non-coding transcript variant (2).
Genome position (GRCh38, 1-based): chr2:210,606,771, T>A. VCF-style: chr2-210606771-T-A. GRCh37 (hg19) VCF-style: chr2-211471495-T-A.
Other names: c.2022T>A, p.Asn674Lys (NM_001122633.3, NM_001369257.1); c.2055T>A, p.Asn685Lys (NM_001369256.1); short protein forms N674K, N685K.
Identifiers: ClinVar variation 2440528 (VCV002440528.4), dbSNP rs1248368809, ClinGen allele CA350438862.